The following is an entry in ClinVar:

NM_004415.4(DSP):c.2906C>A (p.Thr969Asn)

Gene: DSP (desmoplakin; plus strand). Cytogenetic location: 6p24.3.
Variant type: single nucleotide variant.
Coding change: c.2906C>A on transcript NM_004415.4 (MANE Select); coding-DNA position 2906, C replaced by A.
Protein change: p.Thr969Asn; replaces threonine 969 with asparagine.
Molecular consequence: missense variant.
Genome position (GRCh38, 1-based): chr6:7,577,807, C>A. VCF-style: chr6-7577807-C-A. GRCh37 (hg19) VCF-style: chr6-7578040-C-A.
Other names: c.2906C>A, p.Thr969Asn (NM_001008844.3, NM_001319034.2); short protein forms T969N.
Identifiers: ClinVar variation 3763767 (VCV003763767.2).

ClinVar aggregate classification (germline): Uncertain significance (1 of 4 stars; one submission).

Conditions:
Arrhythmogenic cardiomyopathy with wooly hair and keratoderma. Also called: PALMOPLANTAR KERATODERMA WITH LEFT VENTRICULAR CARDIOMYOPATHY AND WOOLLY HAIR; Carvajal syndrome; Dilated cardiomyopathy with woolly hair and keratoderma; Arrhythmogenic cardiomyopathy with woolly hair and keratoderma. Identifiers: Orphanet 65282, MedGen C1854063, MONDO:0011581, OMIM 605676.
Arrhythmogenic right ventricular dysplasia 8 (ARVD8). Also called: Arrhythmogenic Right Ventricular Dysplasia/Cardiomyopathy 8; ARRHYTHMOGENIC RIGHT VENTRICULAR CARDIOMYOPATHY 8; ARRHYTHMOGENIC RIGHT VENTRICULAR DYSPLASIA, FAMILIAL, 8. Identifiers: MedGen C1843896, MONDO:0011831, OMIM 607450.

Submission:

Labcorp Genetics (formerly Invitae), Labcorp
Classification: Uncertain significance for Arrhythmogenic cardiomyopathy with wooly hair and keratoderma; Arrhythmogenic right ventricular dysplasia 8. Last evaluated: 2024-04-08. Review status: criteria provided, single submitter. Criteria: Invitae Variant Classification Sherloc (09022015). Collection method: clinical testing. Allele origin: germline.
Comment: This sequence change replaces threonine, which is neutral and polar, with asparagine, which is neutral and polar, at codon 969 of the DSP protein (p.Thr969Asn). This variant is not present in population databases (gnomAD no frequency). This variant has not been reported in the literature in individuals affected with DSP-related conditions. An algorithm developed to predict the effect of missense changes on protein structure and function (PolyPhen-2) suggests that this variant is likely to be tolerated. In summary, the available evidence is currently insufficient to determine the role of this variant in disease. Therefore, it has been classified as a Variant of Uncertain Significance.